The following is an entry in ClinVar:

NM_000834.5(GRIN2B):c.2359+129A>G

Gene: GRIN2B (glutamate ionotropic receptor NMDA type subunit 2B; minus strand). Cytogenetic location: 12p13.1.
Variant type: single nucleotide variant.
Coding change: c.2359+129A>G on transcript NM_000834.5 (MANE Select); 129 bases into the intron after coding-DNA position 2359, A replaced by G.
Molecular consequence: intron variant.
Genome position (GRCh38, 1-based): chr12:13,569,701, T>C on the plus strand (A>G on the coding strand, the complement: GRIN2B is on the minus strand). VCF-style: chr12-13569701-T-C. GRCh37 (hg19) VCF-style: chr12-13722635-T-C.
Identifiers: ClinVar variation 681805 (VCV000681805.1), dbSNP rs2072539, ClinGen allele CA13642940.

ClinVar aggregate classification (germline): Benign (1 of 4 stars; one submission).

Allele frequency attached by ClinVar (database versions not stated): TOPMed 0.24630; gnomAD 0.24637 and 0.25633; 1000 Genomes Project 30x 0.30340; 1000 Genomes Project 0.30970; gnomAD exomes 0.32252.
gnomAD v4.1: 196,779 of 641,860 alleles (31%); highest among the groups gnomAD compares: East Asian, 52%; 32,750 homozygotes.

Submission:

GeneDx
Classification: Benign. Last evaluated: 2018-06-14. Review status: criteria provided, single submitter. Criteria: GeneDx Variant Classification (06012015). Collection method: clinical testing. Allele origin: germline. Affected: yes.
Comment: This variant is considered likely benign or benign based on one or more of the following criteria: it is a conservative change, it occurs at a poorly conserved position in the protein, it is predicted to be benign by multiple in silico algorithms, and/or has population frequency not consistent with disease.